The following is an entry in ClinVar:

ClinVar aggregate classification (germline): Uncertain significance (1 of 4 stars; one submission).

Conditions:
Charcot-Marie-Tooth disease axonal type 2O. Also called: CHARCOT-MARIE-TOOTH NEUROPATHY, AXONAL, TYPE 2O; CHARCOT-MARIE-TOOTH DISEASE, AXONAL, AUTOSOMAL DOMINANT, TYPE 2O; Charcot-Marie-Tooth disease, axonal, type 20; Charcot-Marie-Tooth Neuropathy Type 2O. Identifiers: Orphanet 284232, MedGen C3280220, MONDO:0013644, OMIM 614228.

Submission:

Labcorp Genetics (formerly Invitae), Labcorp
Classification: Uncertain significance for Charcot-Marie-Tooth disease axonal type 2O. Last evaluated: 2021-04-18. Review status: criteria provided, single submitter. Criteria: Invitae Variant Classification Sherloc (09022015). Collection method: clinical testing. Allele origin: germline.
Comment: In summary, the available evidence is currently insufficient to determine the role of this variant in disease. Therefore, it has been classified as a Variant of Uncertain Significance. Advanced modeling of protein sequence and biophysical properties (such as structural, functional, and spatial information, amino acid conservation, physicochemical variation, residue mobility, and thermodynamic stability) performed at Invitae indicates that this missense variant is expected to disrupt DYNC1H1 protein function. This variant has not been reported in the literature in individuals with DYNC1H1-related conditions. This variant is not present in population databases (ExAC no frequency). This sequence change replaces valine with glutamic acid at codon 3203 of the DYNC1H1 protein (p.Val3203Glu). The valine residue is highly conserved and there is a moderate physicochemical difference between valine and glutamic acid.

NM_001376.5(DYNC1H1):c.9608T>A (p.Val3203Glu)

Gene: DYNC1H1 (dynein cytoplasmic 1 heavy chain 1; plus strand). Cytogenetic location: 14q32.31.
Variant type: single nucleotide variant.
Coding change: c.9608T>A on transcript NM_001376.5 (MANE Select); coding-DNA position 9608, T replaced by A.
Protein change: p.Val3203Glu; replaces valine 3203 with glutamic acid.
Molecular consequence: missense variant.
Genome position (GRCh38, 1-based): chr14:102,029,678, T>A. VCF-style: chr14-102029678-T-A. GRCh37 (hg19) VCF-style: chr14-102496015-T-A.
Other names: short protein forms V3203E.
Identifiers: ClinVar variation 1513269 (VCV001513269.8), dbSNP rs2152590172, ClinGen allele CA391016208.
Genomic context (GRCh38, chr14:102,029,678, plus strand): 5'-ATGCCAACCTGTTCCACGAGAAGCGGAGCGAGCTGGAGGAGCAGCAGATGCACTTGAACG[T>A]GGGGCTCAGGAAGATCAAAGAGACAGTCGACCAGGTGCGTCACAGGCACAAATTCCTCAC-3'
Protein context (NP_001367.2, residues 3193-3213): ELEEQQMHLN[Val3203Glu]GLRKIKETVD